The following is an entry in ClinVar:

NM_006073.4(TRDN):c.1084A>G (p.Thr362Ala)

Gene: TRDN (triadin; minus strand). Cytogenetic location: 6q22.31.
Variant type: single nucleotide variant.
Coding change: c.1084A>G on transcript NM_006073.4 (MANE Select); coding-DNA position 1084, A replaced by G.
Protein change: p.Thr362Ala; replaces threonine 362 with alanine.
Molecular consequence: missense variant.
Genome position (GRCh38, 1-based): chr6:123,393,645, T>C on the plus strand (A>G on the coding strand, the complement: TRDN is on the minus strand). VCF-style: chr6-123393645-T-C. GRCh37 (hg19) VCF-style: chr6-123714790-T-C.
Other names: c.1087A>G, p.Thr363Ala (NM_001251987.2); c.1027A>G, p.Thr343Ala (NM_001407315.1); short protein forms T343A, T362A, T363A.
Identifiers: ClinVar variation 2500104 (VCV002500104.1), dbSNP rs1582961860, ClinGen allele CA365567149.
Genomic context (GRCh38, chr6:123,393,645, plus strand): 5'-AAAAAAAGGCAATGCTTTTTAAAGTGTTTTATTGCTTACCTTGTGCTGCAATTTTTACAG[T>C]CCCTTGTTTGGTTTCAGAAGCTTTTCCCGGCTCTTGGAATGAAAAAAACATAAATTACCA-3'
Protein context (NP_006064.2, residues 352-372): PGKASETKQG[Thr362Ala]VKIAAQAAAK

ClinVar aggregate classification (germline): Uncertain significance (1 of 4 stars; one submission).

Conditions:
Catecholaminergic polymorphic ventricular tachycardia 5 (CARDAR). Also called: CARDIAC ARRHYTHMIA SYNDROME, WITH OR WITHOUT SKELETAL MUSCLE WEAKNESS; Ventricular tachycardia, catecholaminergic polymorphic, 5, with or without muscle weakness. Identifiers: Orphanet 3286, MedGen C3809536, MONDO:0014191, OMIM 615441.

Submission:

Center for Genomics, Ann and Robert H. Lurie Children's Hospital of Chicago
Classification: Uncertain significance for Catecholaminergic polymorphic ventricular tachycardia 5. Last evaluated: 2021-03-30. Review status: criteria provided, single submitter. Criteria: ACMG Guidelines, 2015. Collection method: clinical testing. Allele origin: germline.
Comment: TRDN NM_006073.3 exon 13 p.Thr362Ala (c.1084A>G): This variant has not been reported in the literature and is not present in large control databases. Evolutionary conservation and computational predictive tools for this variant are unclear. In summary, data on this variant is insufficient for disease classification. Therefore, the clinical significance of this variant is uncertain.